The following is an entry in ClinVar:

NM_000059.4(BRCA2):c.2208A>G (p.Ala736=)

Gene: BRCA2 (BRCA2 DNA repair associated; plus strand). Cytogenetic location: 13q13.1.
Variant type: single nucleotide variant.
Coding change: c.2208A>G on transcript NM_000059.4 (MANE Select); coding-DNA position 2208, A replaced by G.
Protein change: p.Ala736=; no amino-acid change (alanine 736 retained).
Molecular consequence: synonymous variant.
Genome position (GRCh38, 1-based): chr13:32,336,563, A>G. VCF-style: chr13-32336563-A-G. GRCh37 (hg19) VCF-style: chr13-32910700-A-G.
Other names: p.A736A:GCA>GCG.
Identifiers: ClinVar variation 136555 (VCV000136555.34), dbSNP rs144984153, ClinGen allele CA014590.
Genomic context (GRCh38, chr13:32,336,563, plus strand): 5'-GTGTGAAAATGATCCAAAAAGCAAAAAAGTTTCAGATATAAAAGAAGAGGTCTTGGCTGC[A>G]GCATGTCACCCAGTACAACATTCAAAAGTGGAATACAGTGATACTGACTTTCAATCCCAG-3'
Protein context (NP_000050.3, residues 726-746): VSDIKEEVLA[Ala736=]ACHPVQHSKV

ClinVar aggregate classification (germline): Likely benign. Review status: reviewed by expert panel (3 of 4 stars). 12 submissions from 12 submitters: Likely benign (1). 11 of the submissions do not count toward it. Last evaluated 2017-06-29.

Conditions:
Hereditary cancer-predisposing syndrome. Also called: Tumor predisposition; Hereditary neoplastic syndrome; Neoplastic Syndromes, Hereditary; Hereditary Cancer Syndrome. Identifiers: Orphanet 140162, MedGen C0027672, MeSH D009386, MONDO:0015356.
BRCA2-related disorder. Also called: BRCA2-related condition; BRCA2-related disorders. Identifiers: MedGen CN239275.
Hereditary breast ovarian cancer syndrome. Also called: Hereditary breast and ovarian cancer; BRCA1- and BRCA2-Associated Hereditary Breast and Ovarian Cancer; Hereditary breast and/or ovarian cancer syndrome; Hereditary breast and ovarian cancer syndrome; Hereditary breast and ovarian cancer syndrome (HBOC); Breast and ovarian cancer. Identifiers: Orphanet 145, MedGen C0677776, MeSH D061325, MONDO:0003582. Disease mechanism: loss of function.
Breast-ovarian cancer, familial, susceptibility to, 2 (BROVCA2). Also called: BRCA2 Hereditary Breast and Ovarian Cancer. Identifiers: Orphanet 145, MedGen C2675520, MONDO:0012933, OMIM 612555. Disease mechanism: loss of function.
Malignant tumor of breast. Also called: Malignant breast neoplasm; Cancer breast. Identifiers: MedGen C0006142, MONDO:0007254. Disease mechanism: loss of function.

Allele frequency attached by ClinVar (database versions not stated): gnomAD exomes 0.00002 and 0.00004; ExAC 0.00006; ESP Exome Variant Server 0.00015; 1000 Genomes Project 30x 0.00016; TOPMed 0.00022; gnomAD 0.00023 and 0.00026.
gnomAD v4.1: 60 of 1,614,142 alleles (0.0037%); highest among the groups gnomAD compares: African/African-American, 0.073%; no homozygotes.

Submissions (12):

Evidence-based Network for the Interpretation of Germline Mutant Alleles (ENIGMA)
Classification: Likely benign for Breast-ovarian cancer, familial, susceptibility to, 2. Last evaluated: 2017-06-29. Review status: reviewed by expert panel. Criteria: ENIGMA BRCA1/2 Classification Criteria (2017-06-29). Collection method: curation. Allele origin: germline.
Comment: Synonymous substitution variant, with low bioinformatic likelihood to result in a splicing aberration (Splicing prior probability 0.02).

Labcorp Genetics (formerly Invitae), Labcorp
Classification: Likely benign for Hereditary breast ovarian cancer syndrome. Last evaluated: 2026-02-03. Review status: criteria provided, single submitter. Criteria: Invitae Variant Classification Sherloc (09022015). Collection method: clinical testing. Allele origin: germline. Not counted in ClinVar's aggregate classification.

Quest Diagnostics Nichols Institute San Juan Capistrano
Classification: Likely benign. Last evaluated: 2022-07-19. Review status: criteria provided, single submitter. Criteria: Quest Diagnostics criteria. Collection method: clinical testing. Allele origin: unknown. Not counted in ClinVar's aggregate classification.

Blueprint Genetics
Classification: Likely benign. Last evaluated: 2021-11-22. Review status: criteria provided, single submitter. Criteria: ACMG Guidelines, 2015. Collection method: clinical testing. Allele origin: germline. Not counted in ClinVar's aggregate classification.

Sema4
Classification: Likely benign for Hereditary cancer-predisposing syndrome. Last evaluated: 2021-03-19. Review status: criteria provided, single submitter. Criteria: Sema4 Curation Guidelines. Collection method: curation. Allele origin: germline. Not counted in ClinVar's aggregate classification.

Women's Health and Genetics/Laboratory Corporation of America, LabCorp
Classification: Likely benign. Last evaluated: 2020-02-21. Review status: criteria provided, single submitter. Criteria: LabCorp Variant Classification Summary - May 2015. Collection method: clinical testing. Allele origin: germline. Not counted in ClinVar's aggregate classification.

Color Diagnostics, LLC DBA Color Health
Classification: Likely benign for Hereditary cancer-predisposing syndrome. Last evaluated: 2015-10-15. Review status: criteria provided, single submitter. Criteria: ACMG Guidelines, 2015. Collection method: clinical testing. Allele origin: germline. Not counted in ClinVar's aggregate classification.

ARUP Laboratories, Molecular Genetics and Genomics, ARUP Laboratories
Classification: Benign. Last evaluated: 2015-08-11. Review status: criteria provided, single submitter. Criteria: ARUP Molecular Germline Variant Investigation Process. Collection method: clinical testing. Allele origin: germline. Not counted in ClinVar's aggregate classification.

Ambry Genetics
Classification: Likely benign for Hereditary cancer-predisposing syndrome. Last evaluated: 2014-07-31. Review status: criteria provided, single submitter. Criteria: Ambry Variant Classification Scheme 2023. Collection method: clinical testing. Allele origin: germline. Not counted in ClinVar's aggregate classification.

GeneDx
Classification: Benign. Last evaluated: 2014-02-21. Review status: criteria provided, single submitter. Criteria: GeneDx Variant Classification (06012015). Collection method: clinical testing. Allele origin: germline. Affected: yes. Not counted in ClinVar's aggregate classification.
Comment: This variant is considered likely benign or benign based on one or more of the following criteria: it is a conservative change, it occurs at a poorly conserved position in the protein, it is predicted to be benign by multiple in silico algorithms, and/or has population frequency not consistent with disease.

PreventionGenetics, part of Exact Sciences
Classification: Likely benign for BRCA2-related condition. Last evaluated: 2019-07-13. Review status: no assertion criteria provided. Collection method: clinical testing. Allele origin: germline. Not counted in ClinVar's aggregate classification.
Comment: This variant is classified as likely benign based on ACMG/AMP sequence variant interpretation guidelines (Richards et al. 2015 PMID: 25741868, with internal and published modifications).

Department of Pathology and Laboratory Medicine, Sinai Health System
Classification: Likely benign for Malignant tumor of breast. Review status: no assertion criteria provided. Collection method: clinical testing. Allele origin: unknown. Affected: yes. Observed: 4 variant alleles. Study: The Canadian Open Genetics Repository (COGR). Not counted in ClinVar's aggregate classification.
Comment: The BRCA2 p.Ala736= variant was not identified in the literature nor was it identified in the following databases: Cosmic, MutDB, LOVD 3.0, BIC Database, ARUP Laboratories, or Zhejiang Colon Cancer Database. The variant was identified in the following databases: dbSNP (ID: rs144984153) as â€šÃ„ÃºWith Likely benign alleleâ€šÃ„Ã¹, ClinVar (4x, as likely benign by Enigma, Ambry Genetics, Invitae and as benign by GeneDx), Clinvitae (3x, as likely benign and benign), UMD-LSDB (3x records, as 3-UV). The variant was identified in control databases in 17 of 277040 chromosomes at a frequency of 0.000061 in the following populations: African in 16 of 24026 chromosomes (freq. 0.00066), Latino in 1 of 34360 chromosomes (freq. 0.00003), increasing the likelihood that this may be a low frequency variant in certain populations of origin (Genome Aggregation Consortium Feb 27, 2017). The p.Ala736= variant is not expected to have clinical significance because it does not result in a change of amino acid. The variant occurs outside of the splicing consensus sequence and 3 of 5 in silico or computational prediction software programs (SpliceSiteFinder, MaxEntScan, NNSPLICE, GeneSplicer, HumanSpliceFinder) predict a greater than 10% difference in splicing. However, this information is not predictive enough to assume pathogenicity. In summary, based on the above information the clinical significance of this variant cannot be determined with certainty at this time although we would lean towards a more benign role for this variant. This variant is classified as likely benign.